The following is an entry in ClinVar:

ClinVar aggregate classification (germline): Uncertain significance (1 of 4 stars; one submission).

Allele frequency attached by ClinVar (database versions not stated): gnomAD exomes below 0.00001; gnomAD 0.00001; TOPMed 0.00001.
gnomAD v4.1: 4 of 1,614,108 alleles (0.00025%); highest among the groups gnomAD compares: African/African-American, 0.0013%; no homozygotes.

Submission:

CeGaT Center for Human Genetics Tuebingen
Classification: Uncertain significance. Last evaluated: 2023-10-01. Review status: criteria provided, single submitter. Criteria: CeGaT Center For Human Genetics Tuebingen Variant Classification Criteria Version 2. Collection method: clinical testing. Allele origin: germline. Affected: yes. Observed: 1 variant allele.
Comment: C1QC: PM2, BP4

NM_172369.5(C1QC):c.548A>G (p.Tyr183Cys)

Gene: C1QC (complement C1q C chain; plus strand). Cytogenetic location: 1p36.12.
Variant type: single nucleotide variant.
Coding change: c.548A>G on transcript NM_172369.5 (MANE Select); coding-DNA position 548, A replaced by G.
Protein change: p.Tyr183Cys; replaces tyrosine 183 with cysteine.
Molecular consequence: missense variant.
Genome position (GRCh38, 1-based): chr1:22,647,593, A>G. VCF-style: chr1-22647593-A-G. GRCh37 (hg19) VCF-style: chr1-22974086-A-G.
Other names: c.548A>G, p.Tyr183Cys (NM_001114101.3, NM_001347619.2); c.281A>G, p.Tyr94Cys (NM_001347620.2); short protein forms Y183C, Y94C.
Identifiers: ClinVar variation 2638469 (VCV002638469.24), dbSNP rs1266627428, ClinGen allele CA338937998.